The following is an entry in ClinVar:

NM_017617.5(NOTCH1):c.2970-20G>A

Gene: NOTCH1 (notch receptor 1; minus strand). Cytogenetic location: 9q34.3.
Variant type: single nucleotide variant.
Coding change: c.2970-20G>A on transcript NM_017617.5 (MANE Select); 20 bases into the intron before coding-DNA position 2970, G replaced by A.
Molecular consequence: intron variant.
Genome position (GRCh38, 1-based): chr9:136,509,091, C>T on the plus strand (G>A on the coding strand, the complement: NOTCH1 is on the minus strand). VCF-style: chr9-136509091-C-T. GRCh37 (hg19) VCF-style: chr9-139403543-C-T.
Other names: c.2970-20G>A (LRG_1122t1, NM_017617.4).
Identifiers: ClinVar variation 390970 (VCV000390970.16), dbSNP rs367927174, ClinGen allele CA5341079.

ClinVar aggregate classification (germline): Conflicting classifications of pathogenicity. Review status: criteria provided, conflicting classifications (1 of 4 stars). 10 submissions from 9 submitters: Uncertain significance (1); Benign (5); Likely benign (2). 2 of the submissions do not count toward it. Last evaluated 2026-01-31.

Conditions:
Adams-Oliver syndrome 5 (AOS5). Identifiers: Orphanet 974, MedGen C4014970, MONDO:0014459, OMIM 616028.
Familial thoracic aortic aneurysm and aortic dissection (TAAD). Also called: Thoracic aortic aneurysms and dissections. Identifiers: Orphanet 91387, MedGen C4707243, MONDO:0019625.
Aortic valve disease 1 (AOVD1). Identifiers: MedGen C3887892, MONDO:0024523, OMIM 109730.

Allele frequency attached by ClinVar (database versions not stated): ESP Exome Variant Server 0.00051; 1000 Genomes Project 0.00080; gnomAD 0.00116; TOPMed 0.00117; ExAC 0.00133.
gnomAD v4.1: 1,566 of 1,546,804 alleles (0.1%); highest among the groups gnomAD compares: African/African-American, 0.22%; 2 homozygotes.

Submissions (10):

Labcorp Genetics (formerly Invitae), Labcorp
Classification: Benign for Adams-Oliver syndrome 5. Last evaluated: 2026-01-31. Review status: criteria provided, single submitter. Criteria: Invitae Variant Classification Sherloc (09022015). Collection method: clinical testing. Allele origin: germline.

ARUP Laboratories, Molecular Genetics and Genomics, ARUP Laboratories
Classification: Benign. Last evaluated: 2025-07-21. Review status: criteria provided, single submitter. Criteria: ARUP Molecular Germline Variant Investigation Process 2024. Collection method: clinical testing. Allele origin: germline.

Blueprint Genetics
Classification: Likely benign. Last evaluated: 2024-11-11. Review status: criteria provided, single submitter. Criteria: ACMG Guidelines, 2015. Collection method: clinical testing. Allele origin: germline.

Women's Health and Genetics/Laboratory Corporation of America, LabCorp
Classification: Benign. Last evaluated: 2023-07-21. Review status: criteria provided, single submitter. Criteria: LabCorp Variant Classification Summary - May 2015. Collection method: clinical testing. Allele origin: germline.

Genome-Nilou Lab
Classification: Benign for Adams-Oliver syndrome 5. Last evaluated: 2022-03-15. Review status: criteria provided, single submitter. Criteria: ACMG Guidelines, 2015. Collection method: clinical testing. Allele origin: germline. Affected: no.

Genome-Nilou Lab
Classification: Benign for Aortic valve disease 1. Last evaluated: 2022-03-15. Review status: criteria provided, single submitter. Criteria: ACMG Guidelines, 2015. Collection method: clinical testing. Allele origin: germline. Affected: no.

GeneDx
Classification: Likely benign. Last evaluated: 2017-12-29. Review status: criteria provided, single submitter. Criteria: GeneDx Variant Classification (06012015). Collection method: clinical testing. Allele origin: germline. Affected: yes.
Comment: This variant is considered likely benign or benign based on one or more of the following criteria: it is a conservative change, it occurs at a poorly conserved position in the protein, it is predicted to be benign by multiple in silico algorithms, and/or has population frequency not consistent with disease.

Ambry Genetics
Classification: Uncertain significance for Familial thoracic aortic aneurysm and aortic dissection. Last evaluated: 2015-09-06. Review status: criteria provided, single submitter. Criteria: Ambry Variant Classification Scheme 2023. Collection method: clinical testing. Allele origin: germline.
Comment: The c.2970-20G>A intronic alteration consists of a G to A substitution 20 nucleotides before coding exon 19 in the NOTCH1 gene. Based on insufficient or conflicting evidence, the clinical significance of this alteration remains unclear.

Genome Diagnostics Laboratory, Amsterdam University Medical Center
Classification: Benign. Review status: no assertion criteria provided. Collection method: clinical testing. Allele origin: germline. Affected: yes. Study: VKGL Data-share Consensus. Not counted in ClinVar's aggregate classification.

Joint Genome Diagnostic Labs from Nijmegen and Maastricht, Radboudumc and MUMC+
Classification: Likely benign. Review status: no assertion criteria provided. Collection method: clinical testing. Allele origin: germline. Affected: yes. Study: VKGL Data-share Consensus. Not counted in ClinVar's aggregate classification.